The following is an entry in ClinVar:

NM_018979.4(WNK1):c.6603T>C (p.Asp2201=)

Gene: WNK1 (WNK lysine deficient protein kinase 1; plus strand). Cytogenetic location: 12p13.33.
Variant type: single nucleotide variant.
Coding change: c.6603T>C on transcript NM_018979.4 (MANE Select); coding-DNA position 6603, T replaced by C.
Protein change: p.Asp2201=; no amino-acid change (aspartic acid 2201 retained).
Molecular consequence: synonymous variant.
Genome position (GRCh38, 1-based): chr12:900,630, T>C. VCF-style: chr12-900630-T-C. GRCh37 (hg19) VCF-style: chr12-1009796-T-C.
Other names: c.7383T>C, p.Asp2461= (NM_001184985.2); c.5859T>C, p.Asp1953= (NM_014823.3); c.7359T>C, p.Asp2453= (NM_213655.5).
Identifiers: ClinVar variation 306662 (VCV000306662.16), dbSNP rs770912702, ClinGen allele CA6383437.

ClinVar aggregate classification (germline): Benign/Likely benign. Review status: criteria provided, multiple submitters, no conflicts (2 of 4 stars). 4 submissions from 4 submitters: Benign (1); Likely benign (3). Last evaluated 2026-09-01.

Conditions:
Pseudohypoaldosteronism type 2C (PHA2C). Also called: Pseudohypoaldosteronism Type IIC. Identifiers: Orphanet 757, Orphanet 88940, MedGen C1840391, MONDO:0013778, OMIM 614492.
Neuropathy, hereditary sensory and autonomic, type 2A (HSAN2A). Also called: HSAN IIA; ACROOSTEOLYSIS, GIACCAI TYPE; ACROOSTEOLYSIS, NEUROGENIC; MORVAN DISEASE; NEUROPATHY, CONGENITAL SENSORY; NEUROPATHY, HEREDITARY SENSORY RADICULAR, AUTOSOMAL RECESSIVE. Identifiers: Orphanet 970, MedGen C2752089, MONDO:0024309, OMIM 201300.

Allele frequency attached by ClinVar (database versions not stated): gnomAD 0.00007; gnomAD exomes 0.00011 and 0.00023; TOPMed 0.00015; ExAC 0.00020.
gnomAD v4.1: 77 of 1,614,208 alleles (0.0048%); highest among the groups gnomAD compares: Admixed American, 0.12%; 1 homozygote.

Submissions (4):

CeGaT Center for Human Genetics Tuebingen
Classification: Likely benign. Last evaluated: 2026-09-01. Review status: criteria provided, single submitter. Criteria: CeGaT Center For Human Genetics Tuebingen Variant Classification Criteria Version 2. Collection method: clinical testing. Allele origin: germline. Affected: yes. Observed: 2 variant alleles.
Comment: WNK1: BP4, BP7

Labcorp Genetics (formerly Invitae), Labcorp
Classification: Likely benign for Neuropathy, hereditary sensory and autonomic, type 2A; Pseudohypoaldosteronism type 2C. Last evaluated: 2025-07-31. Review status: criteria provided, single submitter. Criteria: Invitae Variant Classification Sherloc (09022015). Collection method: clinical testing. Allele origin: germline.

Fulgent Genetics
Classification: Likely benign for Neuropathy, hereditary sensory and autonomic, type 2A; Pseudohypoaldosteronism type 2C. Last evaluated: 2021-10-23. Review status: criteria provided, single submitter. Criteria: ACMG Guidelines, 2015. Collection method: clinical testing. Allele origin: unknown.

Illumina Laboratory Services, Illumina
Classification: Benign for Pseudohypoaldosteronism type 2C. Last evaluated: 2018-01-12. Review status: criteria provided, single submitter. Criteria: ICSL Variant Classification Criteria 13 December 2019. Collection method: clinical testing. Allele origin: germline.
Comment: This variant was observed in the ICSL laboratory as part of a predisposition screen in an ostensibly healthy population. It had not been previously curated by ICSL or reported in the Human Gene Mutation Database (HGMD: prior to June 1st, 2018), and was therefore a candidate for classification through an automated scoring system. Utilizing variant allele frequency, disease prevalence and penetrance estimates, and inheritance mode, an automated score was calculated to assess if this variant is too frequent to cause the disease. Based on the score and internal cut-off values, a variant classified as benign is not then subjected to further curation. The score for this variant resulted in a classification of benign for this disease.